The following is an entry in ClinVar:

NM_001378452.1(ITPR1):c.3657C>T (p.Gly1219=)

Gene: ITPR1 (inositol 1,4,5-trisphosphate receptor type 1; plus strand). Cytogenetic location: 3p26.1.
Variant type: single nucleotide variant.
Coding change: c.3657C>T on transcript NM_001378452.1 (MANE Select); coding-DNA position 3657, C replaced by T.
Protein change: p.Gly1219=; no amino-acid change (glycine 1219 retained).
Molecular consequence: synonymous variant.
Genome position (GRCh38, 1-based): chr3:4,685,161, C>T. VCF-style: chr3-4685161-C-T. GRCh37 (hg19) VCF-style: chr3-4726845-C-T.
Other names: c.3630C>T, p.Gly1210= (NM_001099952.4); c.3612C>T, p.Gly1204= (NM_001168272.2); c.3585C>T, p.Gly1195= (NM_002222.7).
Identifiers: ClinVar variation 717283 (VCV000717283.15), dbSNP rs201621621, ClinGen allele CA2231761.

ClinVar aggregate classification (germline): Benign/Likely benign. Review status: criteria provided, multiple submitters, no conflicts (2 of 4 stars). 4 submissions from 4 submitters: Benign (1); Likely benign (3). Last evaluated 2025-12-15.

Conditions:
Autosomal dominant cerebellar ataxia. Also called: Spinocerebellar Ataxia, Dominant. Identifiers: Orphanet 99, MedGen C4087347, MONDO:0020380.

Allele frequency attached by ClinVar (database versions not stated): gnomAD exomes 0.00006 and 0.00020; 1000 Genomes Project 0.00020; ESP Exome Variant Server 0.00024; 1000 Genomes Project 30x 0.00031; ExAC 0.00033; gnomAD 0.00033 and 0.00037; TOPMed 0.00037.
gnomAD v4.1: 134 of 1,608,012 alleles (0.0083%); highest among the groups gnomAD compares: African/African-American, 0.087%; 1 homozygote.

Submissions (5):

Labcorp Genetics (formerly Invitae), Labcorp
Classification: Likely benign. Last evaluated: 2025-12-15. Review status: criteria provided, single submitter. Criteria: Invitae Variant Classification Sherloc (09022015). Collection method: clinical testing. Allele origin: germline.

Blueprint Genetics
Classification: Likely benign. Last evaluated: 2024-11-06. Review status: criteria provided, single submitter. Criteria: ACMG Guidelines, 2015. Collection method: clinical testing. Allele origin: germline.

GeneDx
Classification: Likely benign. Last evaluated: 2021-03-24. Review status: criteria provided, single submitter. Criteria: GeneDx Variant Classification Process June 2021. Collection method: clinical testing. Allele origin: germline. Affected: yes.

Illumina Laboratory Services, Illumina
Classification: Benign for Spinocerebellar Ataxia, Dominant. Last evaluated: 2018-01-13. Review status: criteria provided, single submitter. Criteria: ICSL Variant Classification Criteria 13 December 2019. Collection method: clinical testing. Allele origin: germline.
Comment: This variant was observed in the ICSL laboratory as part of a predisposition screen in an ostensibly healthy population. It had not been previously curated by ICSL or reported in the Human Gene Mutation Database (HGMD: prior to June 1st, 2018), and was therefore a candidate for classification through an automated scoring system. Utilizing variant allele frequency, disease prevalence and penetrance estimates, and inheritance mode, an automated score was calculated to assess if this variant is too frequent to cause the disease. Based on the score and internal cut-off values, a variant classified as benign is not then subjected to further curation. The score for this variant resulted in a classification of benign for this disease.

Dr. Peter K. Rogan Lab, Western University
No classification provided (evidence only). Condition: Gastric cancer. Review status: no classification provided. Collection method: in vitro. Allele origin: not applicable. Functional consequence: retained intron. Not counted in ClinVar's aggregate classification.